The following is an entry in ClinVar:

ClinVar aggregate classification (germline): Likely benign (1 of 4 stars; one submission).

Allele frequency attached by ClinVar (database versions not stated): gnomAD exomes below 0.00001 and 0.00001; ExAC 0.00001; gnomAD 0.00001 and 0.00002; TOPMed 0.00001.
gnomAD v4.1: 17 of 1,612,882 alleles (0.0011%); highest among the groups gnomAD compares: Middle Eastern, 0.017%; no homozygotes.

Submission:

GeneDx
Classification: Likely benign. Last evaluated: 2016-04-04. Review status: criteria provided, single submitter. Criteria: GeneDx Variant Classification (06012015). Collection method: clinical testing. Allele origin: germline. Affected: yes.
Comment: This variant is considered likely benign or benign based on one or more of the following criteria: it is a conservative change, it occurs at a poorly conserved position in the protein, it is predicted to be benign by multiple in silico algorithms, and/or has population frequency not consistent with disease.

NM_018136.5(ASPM):c.4033A>G (p.Lys1345Glu)

Gene: ASPM (assembly factor for spindle microtubules; minus strand). Cytogenetic location: 1q31.3.
Variant type: single nucleotide variant.
Coding change: c.4033A>G on transcript NM_018136.5 (MANE Select); coding-DNA position 4033, A replaced by G.
Protein change: p.Lys1345Glu; replaces lysine 1345 with glutamic acid.
Molecular consequence: missense variant.
Genome position (GRCh38, 1-based): chr1:197,117,821, T>C on the plus strand (A>G on the coding strand, the complement: ASPM is on the minus strand). VCF-style: chr1-197117821-T-C. GRCh37 (hg19) VCF-style: chr1-197086951-T-C.
Other names: c.4033A>G, p.Lys1345Glu (NM_001206846.2); short protein forms K1345E.
Identifiers: ClinVar variation 385397 (VCV000385397.1), dbSNP rs747210446, ClinGen allele CA1310018.
Genomic context (GRCh38, chr1:197,117,821, plus strand): 5'-ATTCAAAAATTAGTCCAGGATACTATACCTGAATAAGTGATGCTGCTTTATTTTGAACTT[T>C]TTCCAGCTTTTCCTTTTTTAACATTAATAATTTTCTCTGTGCTAAGACTCTTCGCCAATA-3'
Protein context (NP_060606.3, residues 1335-1355): LLMLKKEKLE[Lys1345Glu]VQNKAASLIQ